The following is an entry in ClinVar:

ClinVar aggregate classification (germline): Conflicting classifications of pathogenicity. Review status: criteria provided, conflicting classifications (1 of 4 stars). 2 submissions from 2 submitters: Uncertain significance (1); Likely benign (1). Last evaluated 2025-06-18.

Allele frequency attached by ClinVar (database versions not stated): ExAC 0.00001; gnomAD exomes 0.00001; TOPMed 0.00005; gnomAD 0.00007; ESP Exome Variant Server 0.00015.
gnomAD v4.1: 19 of 1,613,782 alleles (0.0012%); highest among the groups gnomAD compares: African/African-American, 0.017%; no homozygotes.

Submissions (2):

Ambry Genetics
Classification: Likely benign. Last evaluated: 2025-06-18. Review status: criteria provided, single submitter. Criteria: Ambry Variant Classification Scheme 2023. Collection method: clinical testing. Allele origin: germline.

Labcorp Genetics (formerly Invitae), Labcorp
Classification: Uncertain significance. Last evaluated: 2024-12-03. Review status: criteria provided, single submitter. Criteria: Invitae Variant Classification Sherloc (09022015). Collection method: clinical testing. Allele origin: germline.
Comment: This sequence change replaces arginine, which is basic and polar, with glutamine, which is neutral and polar, at codon 549 of the ITGAM protein (p.Arg549Gln). This variant is present in population databases (rs371261558, gnomAD 0.02%). This variant has not been reported in the literature in individuals affected with ITGAM-related conditions. ClinVar contains an entry for this variant (Variation ID: 1402994). An algorithm developed to predict the effect of missense changes on protein structure and function outputs the following: PolyPhen-2: "Benign". The glutamine amino acid residue is found in multiple mammalian species, which suggests that this missense change does not adversely affect protein function. In summary, the available evidence is currently insufficient to determine the role of this variant in disease. Therefore, it has been classified as a Variant of Uncertain Significance.

NM_000632.4(ITGAM):c.1646G>A (p.Arg549Gln)

Gene: ITGAM (integrin subunit alpha M; plus strand). Cytogenetic location: 16p11.2.
Variant type: single nucleotide variant.
Coding change: c.1646G>A on transcript NM_000632.4 (MANE Select); coding-DNA position 1646, G replaced by A.
Protein change: p.Arg549Gln; replaces arginine 549 with glutamine.
Molecular consequence: missense variant.
Genome position (GRCh38, 1-based): chr16:31,297,893, G>A. VCF-style: chr16-31297893-G-A. GRCh37 (hg19) VCF-style: chr16-31309214-G-A.
Other names: c.1649G>A, p.Arg550Gln (NM_001145808.2); c.1646G>A (NM_000632.3); short protein forms R549Q, R550Q.
Identifiers: ClinVar variation 1402994 (VCV001402994.7), dbSNP rs371261558, ClinGen allele CA8025617.